The following is an entry in ClinVar:

ClinVar aggregate classification (germline): Uncertain significance (1 of 4 stars; one submission).

gnomAD v4.1: 3 of 1,613,520 alleles (0.00019%); highest among the groups gnomAD compares: Non-Finnish European, 0.00025%; no homozygotes.

Submission:

Labcorp Genetics (formerly Invitae), Labcorp
Classification: Uncertain significance. Last evaluated: 2024-04-03. Review status: criteria provided, single submitter. Criteria: Invitae Variant Classification Sherloc (09022015). Collection method: clinical testing. Allele origin: germline.
Comment: This sequence change replaces phenylalanine, which is neutral and non-polar, with leucine, which is neutral and non-polar, at codon 711 of the DVL3 protein (p.Phe711Leu). This variant is not present in population databases (gnomAD no frequency). This variant has not been reported in the literature in individuals affected with DVL3-related conditions. Advanced modeling of protein sequence and biophysical properties (such as structural, functional, and spatial information, amino acid conservation, physicochemical variation, residue mobility, and thermodynamic stability) performed at Invitae indicates that this missense variant is not expected to disrupt DVL3 protein function with a negative predictive value of 80%. In summary, the available evidence is currently insufficient to determine the role of this variant in disease. Therefore, it has been classified as a Variant of Uncertain Significance.

NM_004423.4(DVL3):c.2133C>A (p.Phe711Leu)

Gene: DVL3 (dishevelled segment polarity protein 3; plus strand). Cytogenetic location: 3q27.1.
Variant type: single nucleotide variant.
Coding change: c.2133C>A on transcript NM_004423.4 (MANE Select); coding-DNA position 2133, C replaced by A.
Protein change: p.Phe711Leu; replaces phenylalanine 711 with leucine.
Molecular consequence: missense variant.
Genome position (GRCh38, 1-based): chr3:184,170,737, C>A. VCF-style: chr3-184170737-C-A. GRCh37 (hg19) VCF-style: chr3-183888525-C-A.
Other names: short protein forms F711L.
Identifiers: ClinVar variation 3607583 (VCV003607583.2).